The following is an entry in ClinVar:

NM_170707.4(LMNA):c.691A>G (p.Asn231Asp)

Gene: LMNA (lamin A/C; plus strand). Cytogenetic location: 1q22.
Variant type: single nucleotide variant.
Coding change: c.691A>G on transcript NM_170707.4 (MANE Select); coding-DNA position 691, A replaced by G.
Protein change: p.Asn231Asp; replaces asparagine 231 with aspartic acid.
Molecular consequence: missense variant. On other transcripts: synonymous variant (4).
Genome position (GRCh38, 1-based): chr1:156,134,856, A>G. VCF-style: chr1-156134856-A-G. GRCh37 (hg19) VCF-style: chr1-156104647-A-G.
Other names: c.355A>G, p.Asn119Asp (NM_001406989.1, NM_001406998.1, NM_001257374.3); c.133A>G, p.Asn45Asp (NM_001406990.1, NM_001406993.1, NM_001406995.1 and 4 more transcripts); c.691A>G, p.Asn231Asp (NM_001406991.1, NM_001406992.1, NM_005572.4 and 6 more transcripts); c.27A>G, p.Thr9= (NM_001406994.1, NM_001406999.1, NM_001407000.1 and 1 more transcripts); c.448A>G, p.Asn150Asp (NM_001282624.2, NM_001406986.1, NM_001406987.1); c.394A>G, p.Asn132Asp (NM_001406988.1); short protein forms N119D, N45D, N231D, N150D, N132D.
Identifiers: ClinVar variation 2965644 (VCV002965644.3), dbSNP rs11549666, ClinGen allele CA342817206.

ClinVar aggregate classification (germline): Uncertain significance (1 of 4 stars; one submission).

Conditions:
Charcot-Marie-Tooth disease type 2. Also called: Charcot-Marie-Tooth type 2. Identifiers: Orphanet 64746, MedGen C0270914, MONDO:0018993.

Submission:

Labcorp Genetics (formerly Invitae), Labcorp
Classification: Uncertain significance for Charcot-Marie-Tooth disease type 2. Last evaluated: 2023-11-06. Review status: criteria provided, single submitter. Criteria: Invitae Variant Classification Sherloc (09022015). Collection method: clinical testing. Allele origin: germline.
Comment: This sequence change replaces asparagine, which is neutral and polar, with aspartic acid, which is acidic and polar, at codon 231 of the LMNA protein (p.Asn231Asp). This variant is not present in population databases (gnomAD no frequency). This variant has not been reported in the literature in individuals affected with LMNA-related conditions. Advanced modeling of protein sequence and biophysical properties (such as structural, functional, and spatial information, amino acid conservation, physicochemical variation, residue mobility, and thermodynamic stability) has been performed at Invitae for this missense variant, however the output from this modeling did not meet the statistical confidence thresholds required to predict the impact of this variant on LMNA protein function. In summary, the available evidence is currently insufficient to determine the role of this variant in disease. Therefore, it has been classified as a Variant of Uncertain Significance.